The following is an entry in ClinVar:

ClinVar aggregate classification (germline): Conflicting classifications of pathogenicity. Review status: criteria provided, conflicting classifications (1 of 4 stars). 9 submissions from 9 submitters: Uncertain significance (4); Likely benign (4). 1 of the submissions does not count toward it. Last evaluated 2025-07-01.

Conditions:
OBSL1-related disorder. Also called: OBSL1-related condition.
3M syndrome 2. Also called: 3-M Syndrome, OBSL1-Related; THREE M SYNDROME 2. Identifiers: Orphanet 2616, MedGen C2752041, MONDO:0013039, OMIM 612921.

Allele frequency attached by ClinVar (database versions not stated): gnomAD exomes 0.00098 and 0.00188; ExAC 0.00209; ESP Exome Variant Server 0.00263; gnomAD 0.00318 and 0.00337; TOPMed 0.00323; 1000 Genomes Project 0.00359; 1000 Genomes Project 30x 0.00390.

Submissions (9):

CeGaT Center for Human Genetics Tuebingen
Classification: Likely benign. Last evaluated: 2025-07-01. Review status: criteria provided, single submitter. Criteria: CeGaT Center For Human Genetics Tuebingen Variant Classification Criteria Version 2. Collection method: clinical testing. Allele origin: germline. Affected: yes. Observed: 2 variant alleles.
Comment: OBSL1: BS2

Blueprint Genetics
Classification: Likely benign. Last evaluated: 2024-11-21. Review status: criteria provided, single submitter. Criteria: ACMG Guidelines, 2015. Collection method: clinical testing. Allele origin: germline.

Genomic Medicine Center of Excellence, King Faisal Specialist Hospital and Research Centre
Classification: Uncertain significance for 3M syndrome 2. Last evaluated: 2024-03-29. Review status: criteria provided, single submitter. Criteria: ACMG Guidelines, 2015. Collection method: clinical testing. Allele origin: germline.

Department of Pathology and Laboratory Medicine, Sinai Health System
Classification: Uncertain significance for 3M syndrome 2. Last evaluated: 2023-08-17. Review status: criteria provided, single submitter. Criteria: ACMG Guidelines, 2015. Collection method: research. Allele origin: germline.

Mendelics
Classification: Uncertain significance for 3M syndrome 2. Last evaluated: 2023-04-21. Review status: criteria provided, single submitter. Criteria: Mendelics Assertion Criteria 2019. Collection method: clinical testing. Allele origin: germline.

Women's Health and Genetics/Laboratory Corporation of America, LabCorp
Classification: Likely benign. Last evaluated: 2023-02-15. Review status: criteria provided, single submitter. Criteria: LabCorp Variant Classification Summary - May 2015. Collection method: clinical testing. Allele origin: germline.
Comment: Variant summary: OBSL1 c.4732C>T (p.Gln1578X) results in a premature termination codon, predicted to cause a truncation of the encoded protein or absence of the protein due to nonsense mediated decay, which are commonly known mechanisms for disease. Truncations downstream of this position have not been classified as pathogenic in ClinVar or by our laboratory. The variant allele was found at a frequency of 0.0019 in 245914 control chromosomes in the gnomAD database, including 1 homozygote. The observed variant frequency is approximately 1.68 fold of the estimated maximal expected allele frequency for a pathogenic variant in OBSL1 causing Three M Syndrome 2 phenotype (0.0011), strongly suggesting that the variant is benign. c.4732C>T has been reported in the literature in at least one individual affected with distal titinopathy, however, authors attributed the phenotype to compound-heterozygous truncating TTN variants in the individual (e.g., Evila_2016). Therefore, this report does not provide conclusions about association of the variant with Three M Syndrome 2. To our knowledge, no experimental evidence demonstrating an impact on protein function has been reported. Three ClinVar submitters (evaluation after 2014) have cited the variant with conflicting interpretations: one submitter classified the variant as pathogenic, one submitter classified the variant as likely benign, and a third submitter classified the variant as uncertain significance. Based on the evidence outlined above, the variant was classified as likely benign.

Illumina Laboratory Services, Illumina
Classification: Likely benign for 3M syndrome 2. Last evaluated: 2018-01-13. Review status: criteria provided, single submitter. Criteria: ICSL Variant Classification Criteria 13 December 2019. Collection method: clinical testing. Allele origin: germline.
Comment: This variant was observed in the ICSL laboratory as part of a predisposition screen in an ostensibly healthy population. It had not been previously curated by ICSL or reported in the Human Gene Mutation Database (HGMD: prior to June 1st, 2018), and was therefore a candidate for classification through an automated scoring system. Utilizing variant allele frequency, disease prevalence and penetrance estimates, and inheritance mode, an automated score was calculated to assess if this variant is too frequent to cause the disease. Based on the score and internal cut-off values, a variant classified as likely benign is not then subjected to further curation. The score for this variant resulted in a classification of likely benign for this disease.

Eurofins Ntd Llc (ga)
Classification: Uncertain significance. Last evaluated: 2017-07-18. Review status: criteria provided, single submitter. Criteria: EGL Classification Definitions 2015. Collection method: clinical testing. Allele origin: germline. Observed: 3 variant alleles, 3 heterozygotes.

PreventionGenetics, part of Exact Sciences
Classification: Likely benign for OBSL1-related condition. Last evaluated: 2022-04-08. Review status: no assertion criteria provided. Collection method: clinical testing. Allele origin: germline. Not counted in ClinVar's aggregate classification.
Comment: This variant is classified as likely benign based on ACMG/AMP sequence variant interpretation guidelines (Richards et al. 2015 PMID: 25741868, with internal and published modifications).

Literature cited by the submitters: PubMed 26627873 (cited by Women's Health and Genetics/Laboratory Corporation of America, LabCorp).

NM_015311.3(OBSL1):c.4732C>T (p.Gln1578Ter)

Gene: OBSL1 (obscurin like cytoskeletal adaptor 1; minus strand). Cytogenetic location: 2q35.
Variant type: single nucleotide variant.
Coding change: c.4732C>T on transcript NM_015311.3 (MANE Select); coding-DNA position 4732, C replaced by T.
Protein change: p.Gln1578Ter; replaces glutamine 1578 with a stop codon.
Molecular consequence: nonsense.
Genome position (GRCh38, 1-based): chr2:219,554,618, G>A on the plus strand (C>T on the coding strand, the complement: OBSL1 is on the minus strand). VCF-style: chr2-219554618-G-A. GRCh37 (hg19) VCF-style: chr2-220419340-G-A.
Other names: short protein forms Q1578*.
Identifiers: ClinVar variation 496928 (VCV000496928.42), dbSNP rs116131367, ClinGen allele CA2130441.